The following is an entry in ClinVar:

ClinVar aggregate classification (germline): Uncertain significance (1 of 4 stars; one submission).

Conditions:
ALG6-congenital disorder of glycosylation 1C (CDG1C). Also called: CARBOHYDRATE-DEFICIENT GLYCOPROTEIN SYNDROME, TYPE I, WITH DEFICIENT GLYCOSYLATION OF DOLICHOL-LINKED OLIGOSACCHARIDE; CARBOHYDRATE-DEFICIENT GLYCOPROTEIN SYNDROME, TYPE V; CDG Ic; Congenital disorder of glycosylation type 1C; Congenital disorder of glycosylation, type Ic. Identifiers: Orphanet 79320, MedGen C2930997, MONDO:0011291, OMIM 603147.

Allele frequency attached by ClinVar (database versions not stated): gnomAD exomes below 0.00001.
gnomAD v4.1: 2 of 1,614,052 alleles (0.00012%); highest among the groups gnomAD compares: Non-Finnish European, 0.00017%; no homozygotes.

Submission:

Labcorp Genetics (formerly Invitae), Labcorp
Classification: Uncertain significance for ALG6-congenital disorder of glycosylation 1C. Last evaluated: 2022-02-23. Review status: criteria provided, single submitter. Criteria: Invitae Variant Classification Sherloc (09022015). Collection method: clinical testing. Allele origin: germline.
Comment: This sequence change replaces glutamine, which is neutral and polar, with arginine, which is basic and polar, at codon 201 of the ALG6 protein (p.Gln201Arg). This variant is not present in population databases (gnomAD no frequency). This variant has not been reported in the literature in individuals affected with ALG6-related conditions. Algorithms developed to predict the effect of missense changes on protein structure and function (SIFT, PolyPhen-2, Align-GVGD) all suggest that this variant is likely to be disruptive. In summary, the available evidence is currently insufficient to determine the role of this variant in disease. Therefore, it has been classified as a Variant of Uncertain Significance.

NM_013339.4(ALG6):c.602A>G (p.Gln201Arg)

Gene: ALG6 (ALG6 alpha-1,3-glucosyltransferase; plus strand). Cytogenetic location: 1p31.3.
Variant type: single nucleotide variant.
Coding change: c.602A>G on transcript NM_013339.4 (MANE Select); coding-DNA position 602, A replaced by G.
Protein change: p.Gln201Arg; replaces glutamine 201 with arginine.
Molecular consequence: missense variant.
Genome position (GRCh38, 1-based): chr1:63,411,253, A>G. VCF-style: chr1-63411253-A-G. GRCh37 (hg19) VCF-style: chr1-63876924-A-G.
Other names: short protein forms Q201R.
Identifiers: ClinVar variation 1377504 (VCV001377504.3), dbSNP rs1644514423, ClinGen allele CA340635068.